The following is an entry in ClinVar:

ClinVar aggregate classification (germline): Benign. Review status: criteria provided, multiple submitters, no conflicts (2 of 4 stars). 10 submissions from 10 submitters: Benign (6). 4 of the submissions do not count toward it. Last evaluated 2021-10-14.

Conditions:
Hyperammonemia, type III (NAGSD). Also called: Hyperammonemia due to N-acetylglutamate synthase deficiency. Identifiers: Orphanet 927, MedGen C0268543, MONDO:0009377, OMIM 237310.

Allele frequency attached by ClinVar (database versions not stated): 1000 Genomes Project 0.47564; 1000 Genomes Project 30x 0.47580; TOPMed 0.53384; gnomAD 0.54195 and 0.54224; ExAC 0.56597; ESP Exome Variant Server 0.57258.
gnomAD v4.1: 986,680 of 1,613,478 alleles (61%); highest among the groups gnomAD compares: Middle Eastern, 70%; 308,699 homozygotes.

Submissions (10):

Mayo Clinic Laboratories, Mayo Clinic
Classification: Benign. Last evaluated: 2021-10-14. Review status: criteria provided, single submitter. Criteria: ACMG Guidelines, 2015. Collection method: clinical testing. Allele origin: germline. Observed: 57 variant alleles.

Genome-Nilou Lab
Classification: Benign for Hyperammonemia, type III. Last evaluated: 2021-07-10. Review status: criteria provided, single submitter. Criteria: ACMG Guidelines, 2015. Collection method: clinical testing. Allele origin: germline. Affected: no.

Illumina Laboratory Services, Illumina
Classification: Benign for Hyperammonemia, type III. Last evaluated: 2018-01-13. Review status: criteria provided, single submitter. Criteria: ICSL Variant Classification Criteria 13 December 2019. Collection method: clinical testing. Allele origin: germline.
Comment: This variant was observed in the ICSL laboratory as part of a predisposition screen in an ostensibly healthy population. It had not been previously curated by ICSL or reported in the Human Gene Mutation Database (HGMD: prior to June 1st, 2018), and was therefore a candidate for classification through an automated scoring system. Utilizing variant allele frequency, disease prevalence and penetrance estimates, and inheritance mode, an automated score was calculated to assess if this variant is too frequent to cause the disease. Based on the score and internal cut-off values, a variant classified as benign is not then subjected to further curation. The score for this variant resulted in a classification of benign for this disease.

GeneDx
Classification: Benign. Last evaluated: 2015-03-03. Review status: criteria provided, single submitter. Criteria: GeneDx Variant Classification Process June 2021. Collection method: clinical testing. Allele origin: germline. Affected: yes.

Breakthrough Genomics
Classification: Benign. Review status: criteria provided, single submitter. Criteria: ACMG Guidelines, 2015. Collection method: not provided. Allele origin: germline. Inheritance: Autosomal recessive inheritance. Affected: yes.

PreventionGenetics, part of Exact Sciences
Classification: Benign. Review status: criteria provided, single submitter. Criteria: ACMG Guidelines, 2015. Collection method: clinical testing. Allele origin: germline.

Natera, Inc.
Classification: Benign for Hyperammonemia type III. Last evaluated: 2019-11-18. Review status: no assertion criteria provided. Collection method: clinical testing. Allele origin: germline. Not counted in ClinVar's aggregate classification.

Clinical Genetics DNA and cytogenetics Diagnostics Lab, Erasmus MC, Erasmus Medical Center
Classification: Benign. Review status: no assertion criteria provided. Collection method: clinical testing. Allele origin: germline. Affected: yes. Study: VKGL Data-share Consensus. Not counted in ClinVar's aggregate classification.

Clinical Genetics, Academic Medical Center
Classification: Benign. Review status: no assertion criteria provided. Collection method: clinical testing. Allele origin: germline. Affected: yes. Study: VKGL Data-share Consensus. Not counted in ClinVar's aggregate classification.

Diagnostic Laboratory, Department of Genetics, University Medical Center Groningen
Classification: Benign for Hyperammonemia, type III. Review status: no assertion criteria provided. Collection method: clinical testing. Allele origin: germline. Affected: yes. Study: VKGL Data-share Consensus. Not counted in ClinVar's aggregate classification.

NM_153006.3(NAGS):c.*3C>T

Gene: NAGS (N-acetylglutamate synthase; plus strand). Cytogenetic location: 17q21.31.
Variant type: single nucleotide variant.
Coding change: c.*3C>T on transcript NM_153006.3 (MANE Select); 3 bases downstream of the stop codon, C replaced by T.
Molecular consequence: 3 prime UTR variant.
Genome position (GRCh38, 1-based): chr17:44,008,604, C>T. VCF-style: chr17-44008604-C-T. GRCh37 (hg19) VCF-style: chr17-42085972-C-T.
Identifiers: ClinVar variation 262686 (VCV000262686.19), dbSNP rs186636, ClinGen allele CA8595462.